The following is an entry in ClinVar:

NM_000222.3(KIT):c.2353T>G (p.Ser785Ala)

Gene: KIT (KIT proto-oncogene, receptor tyrosine kinase; plus strand). Cytogenetic location: 4q12.
Variant type: single nucleotide variant.
Coding change: c.2353T>G on transcript NM_000222.3 (MANE Select); coding-DNA position 2353, T replaced by G.
Protein change: p.Ser785Ala; replaces serine 785 with alanine.
Molecular consequence: missense variant.
Genome position (GRCh38, 1-based): chr4:54,731,990, T>G. VCF-style: chr4-54731990-T-G. GRCh37 (hg19) VCF-style: chr4-55598156-T-G.
Other names: c.2341T>G, p.Ser781Ala (NM_001093772.2, NM_001385292.1); c.2356T>G, p.Ser786Ala (NM_001385284.1); c.2350T>G, p.Ser784Ala (NM_001385285.1); c.2338T>G, p.Ser780Ala (NM_001385286.1); c.2344T>G, p.Ser782Ala (NM_001385288.1); c.2353T>G, p.Ser785Ala (NM_001385290.1); short protein forms S784A, S785A, S786A, S780A, S781A, S782A.
Identifiers: ClinVar variation 1790049 (VCV001790049.5), dbSNP rs1722628841, ClinGen allele CA356911160.
Genomic context (GRCh38, chr4:54,731,990, plus strand): 5'-GACTTAGAAGACTTGCTGAGCTTTTCTTACCAGGTGGCAAAGGGCATGGCTTTCCTCGCC[T>G]CCAAGAATGTAAGTGGGAGTGATTCTCTAAAGAGTTTTGTGTTTTGTTTTTTTGATTTTT-3'
Protein context (NP_000213.1, residues 775-795): QVAKGMAFLA[Ser785Ala]KNCIHRDLAA

ClinVar aggregate classification (germline): Uncertain significance. Review status: criteria provided, multiple submitters, no conflicts (2 of 4 stars). 2 submissions from 2 submitters: Uncertain significance (2). Last evaluated 2024-09-05.

Conditions:
Hereditary cancer-predisposing syndrome. Also called: Neoplastic Syndromes, Hereditary; Tumor predisposition; Hereditary Cancer Syndrome; Hereditary neoplastic syndrome. Identifiers: Orphanet 140162, MedGen C0027672, MeSH D009386, MONDO:0015356.
Gastrointestinal stromal tumor. Also called: Gastrointestinal stromal tumor, somatic; Gastrointestinal stroma tumor. Identifiers: Orphanet 44890, MedGen C0238198, MeSH D046152, MONDO:0011719, OMIM 606764, HP:0100723.

Allele frequency attached by ClinVar (database versions not stated): gnomAD exomes below 0.00001; TOPMed below 0.00001.
gnomAD v4.1: 1 of 1,611,928 alleles (0.000062%); highest among the groups gnomAD compares: Non-Finnish European, 0.000085%; no homozygotes.

Submissions (2):

Ambry Genetics
Classification: Uncertain significance for Hereditary cancer-predisposing syndrome. Last evaluated: 2024-09-05. Review status: criteria provided, single submitter. Criteria: Ambry Variant Classification Scheme 2023. Collection method: clinical testing. Allele origin: germline.
Comment: The p.S785A variant (also known as c.2353T>G), located in coding exon 16 of the KIT gene, results from a T to G substitution at nucleotide position 2353. The serine at codon 785 is replaced by alanine, an amino acid with similar properties. This amino acid position is conserved. In addition, the in silico prediction for this alteration is inconclusive. Since supporting evidence is limited at this time, the clinical significance of this alteration remains unclear.

Labcorp Genetics (formerly Invitae), Labcorp
Classification: Uncertain significance for Gastrointestinal stromal tumor. Last evaluated: 2024-08-01. Review status: criteria provided, single submitter. Criteria: Invitae Variant Classification Sherloc (09022015). Collection method: clinical testing. Allele origin: germline.
Comment: This sequence change replaces serine, which is neutral and polar, with alanine, which is neutral and non-polar, at codon 785 of the KIT protein (p.Ser785Ala). This variant is not present in population databases (gnomAD no frequency). This variant has not been reported in the literature in individuals affected with KIT-related conditions. ClinVar contains an entry for this variant (Variation ID: 1790049). An algorithm developed to predict the effect of missense changes on protein structure and function (PolyPhen-2) suggests that this variant is likely to be disruptive. In summary, the available evidence is currently insufficient to determine the role of this variant in disease. Therefore, it has been classified as a Variant of Uncertain Significance.